The following is an entry in ClinVar:

NM_005754.3(G3BP1):c.177+1G>A

Gene: G3BP1 (G3BP stress granule assembly factor 1; plus strand). Cytogenetic location: 5q33.1.
Variant type: single nucleotide variant.
Coding change: c.177+1G>A on transcript NM_005754.3 (MANE Select); the canonical splice donor site of the intron after coding-DNA position 177, G replaced by A.
Molecular consequence: splice donor variant.
Genome position (GRCh38, 1-based): chr5:151,790,405, G>A. VCF-style: chr5-151790405-G-A. GRCh37 (hg19) VCF-style: chr5-151169966-G-A.
Other names: c.177+1G>A (NM_198395.2).
Identifiers: ClinVar variation 4976587 (VCV004976587.1).

ClinVar aggregate classification (germline): Likely pathogenic (1 of 4 stars; one submission).

Submission:

GeneDx
Classification: Likely pathogenic. Last evaluated: 2026-02-13. Review status: criteria provided, single submitter. Criteria: GeneDx Variant Classification Process June 2021. Collection method: clinical testing. Allele origin: germline.
Comment: Not observed at significant frequency in large population cohorts (gnomAD); Canonical splice site variant in a gene or region of a gene for which loss of function is not a well-established mechanism of disease; Has not been previously published as pathogenic or benign to our knowledge